The following is an entry in ClinVar:

NM_000075.4(CDK4):c.653C>G (p.Ser218Cys)

Genes: TSPAN31 (tetraspanin 31; plus strand), CDK4 (cyclin dependent kinase 4; minus strand). Cytogenetic location: 12q14.1.
Variant type: single nucleotide variant.
Coding change: c.653C>G on transcript NM_000075.4 (MANE Select); coding-DNA position 653, C replaced by G.
Protein change: p.Ser218Cys; replaces serine 218 with cysteine.
Molecular consequence: missense variant. On other transcripts: 3 prime UTR variant (3).
Genome position (GRCh38, 1-based): chr12:57,749,484, G>C on the plus strand (C>G on the coding strand, the complement: CDK4 is on the minus strand). VCF-style: chr12-57749484-G-C. GRCh37 (hg19) VCF-style: chr12-58143267-G-C.
Other names: c.*2194G>C (NM_001330168.2, NM_001330169.2, NM_005981.5); short protein forms S218C.
Identifiers: ClinVar variation 842652 (VCV000842652.10), dbSNP rs1955206224, ClinGen allele CA385544113.

ClinVar aggregate classification (germline): Uncertain significance. Review status: criteria provided, multiple submitters, no conflicts (2 of 4 stars). 2 submissions from 2 submitters: Uncertain significance (2). Last evaluated 2024-09-16.

Conditions:
Familial melanoma. Also called: Hereditary melanoma; Hereditary cutaneous melanoma. Identifiers: Orphanet 618, MedGen C1512419, MONDO:0018961.
Hereditary cancer-predisposing syndrome. Also called: Hereditary Cancer Syndrome; Hereditary neoplastic syndrome; Tumor predisposition; Neoplastic Syndromes, Hereditary. Identifiers: Orphanet 140162, MedGen C0027672, MeSH D009386, MONDO:0015356.

Allele frequency attached by ClinVar (database versions not stated): gnomAD exomes below 0.00001.
gnomAD v4.1: 1 of 1,614,220 alleles (0.000062%); highest among the groups gnomAD compares: Non-Finnish European, 0.000085%; no homozygotes.

Submissions (2):

Labcorp Genetics (formerly Invitae), Labcorp
Classification: Uncertain significance for Familial melanoma. Last evaluated: 2024-09-16. Review status: criteria provided, single submitter. Criteria: Invitae Variant Classification Sherloc (09022015). Collection method: clinical testing. Allele origin: germline.
Comment: This sequence change replaces serine, which is neutral and polar, with cysteine, which is neutral and slightly polar, at codon 218 of the CDK4 protein (p.Ser218Cys). This variant is not present in population databases (gnomAD no frequency). This variant has not been reported in the literature in individuals affected with CDK4-related conditions. ClinVar contains an entry for this variant (Variation ID: 842652). An algorithm developed to predict the effect of missense changes on protein structure and function (PolyPhen-2) suggests that this variant is likely to be tolerated. In summary, the available evidence is currently insufficient to determine the role of this variant in disease. Therefore, it has been classified as a Variant of Uncertain Significance.

Ambry Genetics
Classification: Uncertain significance for Hereditary cancer-predisposing syndrome. Last evaluated: 2024-08-21. Review status: criteria provided, single submitter. Criteria: Ambry Variant Classification Scheme 2023. Collection method: clinical testing. Allele origin: germline.
Comment: The p.S218C variant (also known as c.653C>G), located in coding exon 5 of the CDK4 gene, results from a C to G substitution at nucleotide position 653. The serine at codon 218 is replaced by cysteine, an amino acid with dissimilar properties. This amino acid position is conserved. In addition, this alteration is predicted to be tolerated by in silico analysis. Based on the available evidence, the clinical significance of this variant remains unclear.